The following is an entry in ClinVar:

NM_000069.3(CACNA1S):c.4163C>T (p.Thr1388Ile)

Gene: CACNA1S (calcium voltage-gated channel subunit alpha1 S; minus strand). Cytogenetic location: 1q32.1.
Variant type: single nucleotide variant.
Coding change: c.4163C>T on transcript NM_000069.3 (MANE Select); coding-DNA position 4163, C replaced by T.
Protein change: p.Thr1388Ile; replaces threonine 1388 with isoleucine.
Molecular consequence: missense variant.
Genome position (GRCh38, 1-based): chr1:201,050,467, G>A on the plus strand (C>T on the coding strand, the complement: CACNA1S is on the minus strand). VCF-style: chr1-201050467-G-A. GRCh37 (hg19) VCF-style: chr1-201019595-G-A.
Other names: short protein forms T1388I.
Identifiers: ClinVar variation 4868096 (VCV004868096.2).

ClinVar aggregate classification (germline): Uncertain significance. Review status: criteria provided, multiple submitters, no conflicts (2 of 4 stars). 2 submissions from 2 submitters: Uncertain significance (2). Last evaluated 2026-06-11.

Conditions:
Inborn genetic diseases. Identifiers: MedGen C0950123, MeSH D030342.

Submissions (2):

Ambry Genetics
Classification: Uncertain significance for Inborn genetic diseases. Last evaluated: 2026-06-11. Review status: criteria provided, single submitter. Criteria: Ambry Variant Classification Scheme 2023. Collection method: clinical testing. Allele origin: germline.

GeneDx
Classification: Uncertain significance. Last evaluated: 2026-02-24. Review status: criteria provided, single submitter. Criteria: GeneDx Variant Classification Process June 2021. Collection method: clinical testing. Allele origin: germline.
Comment: Not observed at significant frequency in large population cohorts (gnomAD); In silico analysis supports that this missense variant has a deleterious effect on protein structure/function; Has not been previously published as pathogenic or benign to our knowledge